The following is an entry in ClinVar:

NM_004525.3(LRP2):c.6182A>G (p.Tyr2061Cys)

Gene: LRP2 (LDL receptor related protein 2; minus strand). Cytogenetic location: 2q31.1.
Variant type: single nucleotide variant.
Coding change: c.6182A>G on transcript NM_004525.3 (MANE Select); coding-DNA position 6182, A replaced by G.
Protein change: p.Tyr2061Cys; replaces tyrosine 2061 with cysteine.
Molecular consequence: missense variant.
Genome position (GRCh38, 1-based): chr2:169,212,066, T>C on the plus strand (A>G on the coding strand, the complement: LRP2 is on the minus strand). VCF-style: chr2-169212066-T-C. GRCh37 (hg19) VCF-style: chr2-170068576-T-C.
Other names: c.6182A>G (NM_004525.2); short protein forms Y2061C.
Identifiers: ClinVar variation 1394951 (VCV001394951.4), dbSNP rs758386123, ClinGen allele CA1954346.
Genomic context (GRCh38, chr2:169,212,066, plus strand): 5'-GACAATTCCAAGCTAAAGCCTCTGATTGCAGACAGCATTGAAACAACAATGAAAGAGTTA[T>C]ATGGAGAGCAGGACCGATTATCAGGATTGAGTTTAAATCCAGTGGCACAGGCGCAGGAAA-3'
Protein context (NP_004516.2, residues 2051-2071): LNPDNRSCSP[Tyr2061Cys]NSFIVVSMLS

ClinVar aggregate classification (germline): Uncertain significance. Review status: criteria provided, multiple submitters, no conflicts (2 of 4 stars). 2 submissions from 2 submitters: Uncertain significance (2). Last evaluated 2024-10-01.

Conditions:
Inborn genetic diseases. Identifiers: MedGen C0950123, MeSH D030342.

Allele frequency attached by ClinVar (database versions not stated): gnomAD exomes below 0.00001 and 0.00001; ExAC 0.00002.
gnomAD v4.1: 7 of 1,614,006 alleles (0.00043%); highest among the groups gnomAD compares: South Asian, 0.0033%; no homozygotes.

Submissions (2):

Ambry Genetics
Classification: Uncertain significance for Inborn genetic diseases. Last evaluated: 2024-10-01. Review status: criteria provided, single submitter. Criteria: Ambry Variant Classification Scheme 2023. Collection method: clinical testing. Allele origin: germline.

Labcorp Genetics (formerly Invitae), Labcorp
Classification: Uncertain significance. Last evaluated: 2022-07-19. Review status: criteria provided, single submitter. Criteria: Invitae Variant Classification Sherloc (09022015). Collection method: clinical testing. Allele origin: germline.
Comment: This sequence change replaces tyrosine, which is neutral and polar, with cysteine, which is neutral and slightly polar, at codon 2061 of the LRP2 protein (p.Tyr2061Cys). This variant is present in population databases (rs758386123, gnomAD 0.004%). This variant has not been reported in the literature in individuals affected with LRP2-related conditions. ClinVar contains an entry for this variant (Variation ID: 1394951). Advanced modeling of protein sequence and biophysical properties (such as structural, functional, and spatial information, amino acid conservation, physicochemical variation, residue mobility, and thermodynamic stability) performed at Invitae indicates that this missense variant is expected to disrupt LRP2 protein function. Algorithms developed to predict the effect of sequence changes on RNA splicing suggest that this variant may create or strengthen a splice site. In summary, the available evidence is currently insufficient to determine the role of this variant in disease. Therefore, it has been classified as a Variant of Uncertain Significance.